The following is an entry in ClinVar:

ClinVar aggregate classification (germline): Conflicting classifications of pathogenicity. Review status: criteria provided, conflicting classifications (1 of 4 stars). 5 submissions from 5 submitters: Pathogenic (1); Likely pathogenic (1); Uncertain significance (3). Last evaluated 2025-12-12.

Conditions:
Cardiovascular phenotype. Identifiers: MedGen CN230736.
Hereditary cancer-predisposing syndrome. Also called: Neoplastic Syndromes, Hereditary; Hereditary Cancer Syndrome; Tumor predisposition; Hereditary neoplastic syndrome. Identifiers: Orphanet 140162, MedGen C0027672, MeSH D009386, MONDO:0015356.
Neurofibromatosis, type 1 (NF1). Also called: Peripheral type neurofibromatosis; VON RECKLINGHAUSEN DISEASE; NEUROFIBROMATOSIS, TYPE I, SOMATIC; Neurofibromatosis, type I. Identifiers: Orphanet 636, MedGen C0027831, MONDO:0018975, OMIM 162200. Disease mechanism: loss of function.

Submissions (5):

GeneDx
Classification: Pathogenic. Last evaluated: 2025-12-12. Review status: criteria provided, single submitter. Criteria: GeneDx Variant Classification Process June 2021. Collection method: clinical testing. Allele origin: germline. Affected: yes.
Comment: Not observed at significant frequency in large population cohorts (gnomAD); In silico analysis supports that this missense variant has a deleterious effect on protein structure/function; Has not been previously published as pathogenic or benign to our knowledge; This variant is associated with the following publications: (PMID: 22807134, 25486365, 36243179, 34707296)

Labcorp Genetics (formerly Invitae), Labcorp
Classification: Uncertain significance for Neurofibromatosis, type 1. Last evaluated: 2025-01-22. Review status: criteria provided, single submitter. Criteria: Invitae Variant Classification Sherloc (09022015). Collection method: clinical testing. Allele origin: germline.
Comment: This sequence change replaces leucine, which is neutral and non-polar, with proline, which is neutral and non-polar, at codon 1339 of the NF1 protein (p.Leu1339Pro). This variant is not present in population databases (gnomAD no frequency). This variant has not been reported in the literature in individuals affected with NF1-related conditions. ClinVar contains an entry for this variant (Variation ID: 583016). Invitae Evidence Modeling of protein sequence and biophysical properties (such as structural, functional, and spatial information, amino acid conservation, physicochemical variation, residue mobility, and thermodynamic stability) indicates that this missense variant is expected to disrupt NF1 protein function with a positive predictive value of 95%. In summary, the available evidence is currently insufficient to determine the role of this variant in disease. Therefore, it has been classified as a Variant of Uncertain Significance.

Ambry Genetics
Classification: Likely pathogenic for Cardiovascular phenotype; Hereditary cancer-predisposing syndrome. Last evaluated: 2024-11-26. Review status: criteria provided, single submitter. Criteria: Ambry Variant Classification Scheme 2023. Collection method: clinical testing. Allele origin: germline.
Comment: The p.L1339P variant (also known as c.4016T>C), located in coding exon 30 of the NF1 gene, results from a T to C substitution at nucleotide position 4016. The leucine at codon 1339 is replaced by proline, an amino acid with similar properties. This amino acid position is highly conserved in available vertebrate species. In addition, this alteration is predicted to be deleterious by in silico analysis. Based on internal structural analysis, L1339P is more disruptive to the NF1 GRD domain than several internally pathogenic variants nearby (Naschberger A et al. Nature, 2021 Nov;599:315-319). This variant is considered to be rare based on population cohorts in the Genome Aggregation Database (gnomAD). Based on the majority of available evidence to date, this variant is likely to be pathogenic.

Genome-Nilou Lab
Classification: Uncertain significance for Neurofibromatosis, type 1. Last evaluated: 2022-03-15. Review status: criteria provided, single submitter. Criteria: ACMG Guidelines, 2015. Collection method: clinical testing. Allele origin: germline. Affected: no.

Genome Diagnostics Laboratory, The Hospital for Sick Children
Classification: Uncertain significance for Neurofibromatosis, type 1. Last evaluated: 2020-10-26. Review status: criteria provided, single submitter. Criteria: ACMG Guidelines, 2015. Collection method: clinical testing. Allele origin: germline. Affected: yes.

Literature cited by the submitters: PubMed 34707296 (cited by Ambry Genetics).

NM_001042492.3(NF1):c.4016T>C (p.Leu1339Pro)

Gene: NF1 (neurofibromin 1; plus strand). Cytogenetic location: 17q11.2.
Variant type: single nucleotide variant.
Coding change: c.4016T>C on transcript NM_001042492.3 (MANE Select); coding-DNA position 4016, T replaced by C.
Protein change: p.Leu1339Pro; replaces leucine 1339 with proline.
Molecular consequence: missense variant.
Genome position (GRCh38, 1-based): chr17:31,249,025, T>C. VCF-style: chr17-31249025-T-C. GRCh37 (hg19) VCF-style: chr17-29576043-T-C.
Other names: c.4016T>C, p.Leu1339Pro (NM_000267.4); short protein forms L1339P.
Identifiers: ClinVar variation 583016 (VCV000583016.14), dbSNP rs1567858306, ClinGen allele CA398994896.
Genomic context (GRCh38, chr17:31,249,025, plus strand): 5'-TATTTTTATTTTTTTGTAGGTTAGAACCATCAGAGAGCCTTGAGGAAAACCAGCGGAACC[T>C]CCTTCAGATGACTGAAAAGTTCTTCCATGCCATCATCAGTTCCTCCTCAGAATTCCCCCC-3'
Protein context (NP_001035957.1, residues 1329-1349): SESLEENQRN[Leu1339Pro]LQMTEKFFHA